The following is an entry in ClinVar:

NM_018979.4(WNK1):c.5584-142A>G

Gene: WNK1 (WNK lysine deficient protein kinase 1; plus strand). Cytogenetic location: 12p13.33.
Variant type: single nucleotide variant.
Coding change: c.5584-142A>G on transcript NM_018979.4 (MANE Select); 142 bases into the intron before coding-DNA position 5584, A replaced by G.
Molecular consequence: intron variant.
Genome position (GRCh38, 1-based): chr12:895,929, A>G. VCF-style: chr12-895929-A-G. GRCh37 (hg19) VCF-style: chr12-1005095-A-G.
Other names: NC_000012.11:g.1005095A>G; c.6340-142A>G (NM_213655.5); c.6364-142A>G (NM_001184985.2); c.4840-142A>G (NM_014823.3).
Identifiers: ClinVar variation 670312 (VCV000670312.2), dbSNP rs2269937, ClinGen allele CA13610668.
Genomic context (GRCh38, chr12:895,929, plus strand): 5'-TCTGCATCTCAGTACCCATGTGTTCTCTATGATGGTATTCAATTTTTCTTCCTAGTCAAA[A>G]GTGGAGGCGCTATGTAAAGAGACAATCAGCCTACTCTTTGACAGGGAAATAAAGTGATTC-3'

ClinVar aggregate classification (germline): Benign (1 of 4 stars; one submission).

Allele frequency attached by ClinVar (database versions not stated): TOPMed 0.44056; 1000 Genomes Project 0.42792; 1000 Genomes Project 30x 0.42864.
gnomAD v4.1: 476,483 of 1,070,650 alleles (45%); highest among the groups gnomAD compares: Admixed American, 55%; 107,897 homozygotes.

Submissions (2):

GeneDx
Classification: Benign. Last evaluated: 2018-06-14. Review status: criteria provided, single submitter. Criteria: GeneDx Variant Classification (06012015). Collection method: clinical testing. Allele origin: germline. Affected: yes.
Comment: This variant is considered likely benign or benign based on one or more of the following criteria: it is a conservative change, it occurs at a poorly conserved position in the protein, it is predicted to be benign by multiple in silico algorithms, and/or has population frequency not consistent with disease.

Dr. Peter K. Rogan Lab, Western University
No classification provided (evidence only). Condition: Hepatocellular carcinoma. Review status: no classification provided. Collection method: in vitro. Allele origin: not applicable. Functional consequence: retained intron. Not counted in ClinVar's aggregate classification.